The following is an entry in ClinVar:

NM_003118.4(SPARC):c.689C>T (p.Pro230Leu)

Gene: SPARC (secreted protein acidic and cysteine rich; minus strand). Cytogenetic location: 5q33.1.
Variant type: single nucleotide variant.
Coding change: c.689C>T on transcript NM_003118.4 (MANE Select); coding-DNA position 689, C replaced by T.
Protein change: p.Pro230Leu; replaces proline 230 with leucine.
Molecular consequence: missense variant.
Genome position (GRCh38, 1-based): chr5:151,666,406, G>A on the plus strand (C>T on the coding strand, the complement: SPARC is on the minus strand). VCF-style: chr5-151666406-G-A. GRCh37 (hg19) VCF-style: chr5-151045967-G-A.
Other names: c.686C>T, p.Pro229Leu (NM_001309443.2); c.689C>T, p.Pro230Leu (NM_001309444.2); short protein forms P229L, P230L.
Identifiers: ClinVar variation 2018211 (VCV002018211.4), dbSNP rs1760620212, ClinGen allele CA361831058.

ClinVar aggregate classification (germline): Uncertain significance (1 of 4 stars; one submission).

Submission:

Labcorp Genetics (formerly Invitae), Labcorp
Classification: Uncertain significance. Last evaluated: 2022-07-19. Review status: criteria provided, single submitter. Criteria: Invitae Variant Classification Sherloc (09022015). Collection method: clinical testing. Allele origin: germline.
Comment: Algorithms developed to predict the effect of missense changes on protein structure and function (SIFT, PolyPhen-2, Align-GVGD) all suggest that this variant is likely to be disruptive. This variant has not been reported in the literature in individuals affected with SPARC-related conditions. This variant is not present in population databases (gnomAD no frequency). This sequence change replaces proline, which is neutral and non-polar, with leucine, which is neutral and non-polar, at codon 230 of the SPARC protein (p.Pro230Leu). In summary, the available evidence is currently insufficient to determine the role of this variant in disease. Therefore, it has been classified as a Variant of Uncertain Significance.